The following is an entry in ClinVar:

ClinVar aggregate classification (germline): Uncertain significance (1 of 4 stars; one submission).

Conditions:
GM1 gangliosidosis. Identifiers: Orphanet 354, MedGen C0085131, MONDO:0018149.
Mucopolysaccharidosis, MPS-IV-B (MPS4B). Also called: Mucopolysaccharidosis type IV B; Mucopolysaccharidosis type 4B; MORQUIO SYNDROME B; Mucopolysaccharidosis type IVB (Morquio); MPS IVB; Mucopolysaccharidosis Type IVB. Identifiers: Orphanet 309310, Orphanet 582, MedGen C0086652, MONDO:0009660, OMIM 253010.

Submission:

Labcorp Genetics (formerly Invitae), Labcorp
Classification: Uncertain significance for Mucopolysaccharidosis, MPS-IV-B; GM1 gangliosidosis. Last evaluated: 2022-01-07. Review status: criteria provided, single submitter. Criteria: Invitae Variant Classification Sherloc (09022015). Collection method: clinical testing. Allele origin: germline.
Comment: This sequence change replaces tyrosine, which is neutral and polar, with histidine, which is basic and polar, at codon 374 of the GLB1 protein (p.Tyr374His). This variant is not present in population databases (gnomAD no frequency). This variant has not been reported in the literature in individuals affected with GLB1-related conditions. Advanced modeling of protein sequence and biophysical properties (such as structural, functional, and spatial information, amino acid conservation, physicochemical variation, residue mobility, and thermodynamic stability) performed at Invitae indicates that this missense variant is expected to disrupt GLB1 protein function. In summary, the available evidence is currently insufficient to determine the role of this variant in disease. Therefore, it has been classified as a Variant of Uncertain Significance.

NM_000404.4(GLB1):c.1120T>C (p.Tyr374His)

Gene: GLB1 (galactosidase beta 1; minus strand). Cytogenetic location: 3p22.3.
Variant type: single nucleotide variant.
Coding change: c.1120T>C on transcript NM_000404.4 (MANE Select); coding-DNA position 1120, T replaced by C.
Protein change: p.Tyr374His; replaces tyrosine 374 with histidine.
Molecular consequence: missense variant.
Genome position (GRCh38, 1-based): chr3:33,024,274, A>G on the plus strand (T>C on the coding strand, the complement: GLB1 is on the minus strand). VCF-style: chr3-33024274-A-G. GRCh37 (hg19) VCF-style: chr3-33065766-A-G.
Other names: c.1030T>C, p.Tyr344His (NM_001079811.3); c.727T>C, p.Tyr243His (NM_001135602.3); c.1264T>C, p.Tyr422His (NM_001317040.2); c.1120T>C, p.Tyr374His (NM_001393580.1); short protein forms Y422H, Y243H, Y344H, Y374H.
Identifiers: ClinVar variation 1973604 (VCV001973604.2), dbSNP rs2471278945, ClinGen allele CA351995070.